The following is an entry in ClinVar:

ClinVar aggregate classification (germline): Pathogenic (1 of 4 stars; one submission).

Submission:

Labcorp Genetics (formerly Invitae), Labcorp
Classification: Pathogenic. Last evaluated: 2022-06-20. Review status: criteria provided, single submitter. Criteria: Invitae Variant Classification Sherloc (09022015). Collection method: clinical testing. Allele origin: germline.
Comment: This sequence change creates a premature translational stop signal (p.His35Argfs*55) in the ARHGEF18 gene. It is expected to result in an absent or disrupted protein product. Loss-of-function variants in ARHGEF18 are known to be pathogenic (PMID: 28132693). This variant is present in population databases (no rsID available, gnomAD 0.01%). This variant has not been reported in the literature in individuals affected with ARHGEF18-related conditions. ClinVar contains an entry for this variant (Variation ID: 1068967). For these reasons, this variant has been classified as Pathogenic.

Literature cited by the submitters: PubMed 28132693.

NM_001367823.1(ARHGEF18):c.968-300_968-290del

Gene: ARHGEF18 (Rho/Rac guanine nucleotide exchange factor 18; plus strand). Cytogenetic location: 19p13.2.
Variant type: Deletion.
Coding change: c.968-300_968-290del on transcript NM_001367823.1 (MANE Select); 300 bases into the intron before coding-DNA position 968 through 290 bases into the intron before coding-DNA position 968, 11 bases deleted (ATAAAAACGGC).
Molecular consequence: intron variant. On other transcripts: 5 prime UTR variant (1).
Genome position (GRCh38, 1-based): chr19:7,440,044-7,440,054, ATAAAAACGGC deleted; deleting any 11 consecutive bases within chr19:7,440,041-7,440,054 gives the same sequence; the c. name uses the placement nearest the transcript's 3' end. VCF-style (leftmost placement, unchanged base first): chr19-7440040-AGGCATAAAAAC-A. GRCh37 (hg19) VCF-style: chr19-7504926-AGGCATAAAAAC-A.
Other names: c.-59_-49del (NM_001130955.2); c.-226-145_-226-135del (NM_001367824.1); c.-71-300_-71-290del (NM_015318.4).
Identifiers: ClinVar variation 1068967 (VCV001068967.7), dbSNP rs1025337841, ClinGen allele CA304877348.